The following is an entry in ClinVar:

ClinVar aggregate classification (germline): Uncertain significance (1 of 4 stars; one submission).

Conditions:
Ullrich congenital muscular dystrophy 2 (UCMD2). Identifiers: Orphanet 75840, MedGen C4225314, MONDO:0014654, OMIM 616470.
Bethlem myopathy 2 (BTHLM2). Identifiers: Orphanet 536516, Orphanet 610, MedGen C4225313, MONDO:0034022, OMIM 616471.

gnomAD v4.1: 4 of 1,613,834 alleles (0.00025%); highest among the groups gnomAD compares: South Asian, 0.0044%; no homozygotes.

Submission:

Labcorp Genetics (formerly Invitae), Labcorp
Classification: Uncertain significance for Bethlem myopathy 2; Ullrich congenital muscular dystrophy 2. Last evaluated: 2025-01-05. Review status: criteria provided, single submitter. Criteria: Invitae Variant Classification Sherloc (09022015). Collection method: clinical testing. Allele origin: germline.
Comment: This sequence change replaces aspartic acid, which is acidic and polar, with asparagine, which is neutral and polar, at codon 2744 of the COL12A1 protein (p.Asp2744Asn). This variant is present in population databases (no rsID available, gnomAD 0.003%). This variant has not been reported in the literature in individuals affected with COL12A1-related conditions. Invitae Evidence Modeling of protein sequence and biophysical properties (such as structural, functional, and spatial information, amino acid conservation, physicochemical variation, residue mobility, and thermodynamic stability) indicates that this missense variant is not expected to disrupt COL12A1 protein function with a negative predictive value of 80%. In summary, the available evidence is currently insufficient to determine the role of this variant in disease. Therefore, it has been classified as a Variant of Uncertain Significance.

NM_004370.6(COL12A1):c.8230G>A (p.Asp2744Asn)

Gene: COL12A1 (collagen type XII alpha 1 chain; minus strand). Cytogenetic location: 6q13.
Variant type: single nucleotide variant.
Coding change: c.8230G>A on transcript NM_004370.6 (MANE Select); coding-DNA position 8230, G replaced by A.
Protein change: p.Asp2744Asn; replaces aspartic acid 2744 with asparagine.
Molecular consequence: missense variant.
Genome position (GRCh38, 1-based): chr6:75,105,241, C>T on the plus strand (G>A on the coding strand, the complement: COL12A1 is on the minus strand). VCF-style: chr6-75105241-C-T. GRCh37 (hg19) VCF-style: chr6-75814957-C-T.
Other names: c.8230G>A, p.Asp2744Asn (NM_001424113.1); c.8209G>A, p.Asp2737Asn (NM_001424114.1); c.7957G>A, p.Asp2653Asn (NM_001424115.1); c.4738G>A, p.Asp1580Asn (NM_001424116.1, NM_080645.3); short protein forms D1580N, D2653N, D2737N, D2744N.
Identifiers: ClinVar variation 3750144 (VCV003750144.2).
Genomic context (GRCh38, chr6:75,105,241, plus strand): 5'-AGAGGATCTATTTCAATTTCCTTACTGCAGGGCCTGGAGGTCCTGGAGGTCCAACGCTGT[C>T]CTGTGTACATGTGCAAGAATTTGGAAAAGCAGGGCATTTTCCCTCATCTCTCTGAAATTT-3'
Protein context (NP_004361.3, residues 2734-2754): AFPNSCTCTQ[Asp2744Asn]SVGPPGPPGP